The following is an entry in ClinVar:

NM_001184.4(ATR):c.1276G>A (p.Gly426Arg)

Gene: ATR (ATR checkpoint kinase; minus strand). Cytogenetic location: 3q23.
Variant type: single nucleotide variant.
Coding change: c.1276G>A on transcript NM_001184.4 (MANE Select); coding-DNA position 1276, G replaced by A.
Protein change: p.Gly426Arg; replaces glycine 426 with arginine.
Molecular consequence: missense variant.
Genome position (GRCh38, 1-based): chr3:142,561,316, C>T on the plus strand (G>A on the coding strand, the complement: ATR is on the minus strand). VCF-style: chr3-142561316-C-T. GRCh37 (hg19) VCF-style: chr3-142280158-C-T.
Other names: c.1276G>A, p.Gly426Arg (NM_001354579.2); short protein forms G426R.
Identifiers: ClinVar variation 3221042 (VCV003221042.1), dbSNP rs2473421515, ClinGen allele CA354823260.

ClinVar aggregate classification (germline): Uncertain significance (1 of 4 stars; one submission).

Conditions:
Inborn genetic diseases. Identifiers: MedGen C0950123, MeSH D030342.

Submission:

Ambry Genetics
Classification: Uncertain significance for Inborn genetic diseases. Last evaluated: 2024-03-06. Review status: criteria provided, single submitter. Criteria: Ambry Variant Classification Scheme 2023. Collection method: clinical testing. Allele origin: germline.
Comment: The p.G426R variant (also known as c.1276G>A), located in coding exon 5 of the ATR gene, results from a G to A substitution at nucleotide position 1276. The glycine at codon 426 is replaced by arginine, an amino acid with dissimilar properties. This amino acid position is conserved. In addition, this alteration is predicted to be tolerated by in silico analysis. Based on the available evidence, the clinical significance of this alteration remains unclear.